The following is an entry in ClinVar:

ClinVar aggregate classification (germline): Uncertain significance (1 of 4 stars; one submission).

Conditions:
CHD3-related disorder. Also called: CHD3-related condition.

Submission:

PreventionGenetics, part of Exact Sciences
Classification: Uncertain significance for CHD3-related condition. Last evaluated: 2026-02-14. Review status: criteria provided, single submitter. Criteria: ACMG Guidelines, 2015. Collection method: clinical testing. Allele origin: germline.
Comment: The CHD3 c.292C>T variant is predicted to result in the amino acid substitution p.Arg98Trp. To our knowledge, this variant has not been reported in the literature or in a large population database (gnomAD), indicating this variant is rare. At this time, the clinical significance of this variant is uncertain due to the absence of conclusive functional and genetic evidence.

NM_001005273.3(CHD3):c.115C>T (p.Arg39Trp)

Gene: CHD3 (chromodomain helicase DNA binding protein 3; plus strand). Cytogenetic location: 17p13.1.
Variant type: single nucleotide variant.
Coding change: c.115C>T on transcript NM_001005273.3 (MANE Select); coding-DNA position 115, C replaced by T.
Protein change: p.Arg39Trp; replaces arginine 39 with tryptophan.
Molecular consequence: missense variant.
Genome position (GRCh38, 1-based): chr17:7,889,678, C>T. VCF-style: chr17-7889678-C-T. GRCh37 (hg19) VCF-style: chr17-7792996-C-T.
Other names: c.292C>T, p.Arg98Trp (NM_001005271.3, NM_001437504.1, NM_001437507.1 and 2 more transcripts); c.115C>T, p.Arg39Trp (NM_005852.4); short protein forms R39W, R98W.
Identifiers: ClinVar variation 4998453 (VCV004998453.1).